The following is an entry in ClinVar:

NM_001376.5(DYNC1H1):c.12590C>T (p.Ala4197Val)

Gene: DYNC1H1 (dynein cytoplasmic 1 heavy chain 1; plus strand). Cytogenetic location: 14q32.31.
Variant type: single nucleotide variant.
Coding change: c.12590C>T on transcript NM_001376.5 (MANE Select); coding-DNA position 12590, C replaced by T.
Protein change: p.Ala4197Val; replaces alanine 4197 with valine.
Molecular consequence: missense variant.
Genome position (GRCh38, 1-based): chr14:102,043,951, C>T. VCF-style: chr14-102043951-C-T. GRCh37 (hg19) VCF-style: chr14-102510288-C-T.
Other names: short protein forms A4197V.
Identifiers: ClinVar variation 1019126 (VCV001019126.11), dbSNP rs2048683611, ClinGen allele CA391042281.
Genomic context (GRCh38, chr14:102,043,951, plus strand): 5'-CCCGCTTGTACTTCCTGCTGGCCTGGTTTCATGCGATCATCCAAGAACGCTTACGATACG[C>T]ACCACTGGGGTGGTCAAAGAAGTATGAATTTGGAGAGTCTGACCTGCGGTCAGCTTGCGA-3'
Protein context (NP_001367.2, residues 4187-4207): HAIIQERLRY[Ala4197Val]PLGWSKKYEF

ClinVar aggregate classification (germline): Uncertain significance. Review status: criteria provided, multiple submitters, no conflicts (2 of 4 stars). 3 submissions from 3 submitters: Uncertain significance (3). Last evaluated 2025-11-24.

Conditions:
Charcot-Marie-Tooth disease axonal type 2O. Also called: CHARCOT-MARIE-TOOTH NEUROPATHY, AXONAL, TYPE 2O; CHARCOT-MARIE-TOOTH DISEASE, AXONAL, AUTOSOMAL DOMINANT, TYPE 2O; Charcot-Marie-Tooth Neuropathy Type 2O; Charcot-Marie-Tooth disease, axonal, type 20. Identifiers: Orphanet 284232, MedGen C3280220, MONDO:0013644, OMIM 614228.
Inborn genetic diseases. Identifiers: MedGen C0950123, MeSH D030342.

Allele frequency attached by ClinVar (database versions not stated): gnomAD exomes 0.00001.
gnomAD v4.1: 4 of 1,614,248 alleles (0.00025%); highest among the groups gnomAD compares: Non-Finnish European, 0.00025%; no homozygotes.

Submissions (3):

Labcorp Genetics (formerly Invitae), Labcorp
Classification: Uncertain significance for Charcot-Marie-Tooth disease axonal type 2O. Last evaluated: 2025-11-24. Review status: criteria provided, single submitter. Criteria: Invitae Variant Classification Sherloc (09022015). Collection method: clinical testing. Allele origin: germline.
Comment: This sequence change replaces alanine, which is neutral and non-polar, with valine, which is neutral and non-polar, at codon 4197 of the DYNC1H1 protein (p.Ala4197Val). This variant is not present in population databases (gnomAD no frequency). This variant has not been reported in the literature in individuals affected with DYNC1H1-related conditions. ClinVar contains an entry for this variant (Variation ID: 1019126). Invitae Evidence Modeling of protein sequence and biophysical properties (such as structural, functional, and spatial information, amino acid conservation, physicochemical variation, residue mobility, and thermodynamic stability) indicates that this missense variant is not expected to disrupt DYNC1H1 protein function with a negative predictive value of 95%. In summary, the available evidence is currently insufficient to determine the role of this variant in disease. Therefore, it has been classified as a Variant of Uncertain Significance.

Ambry Genetics
Classification: Uncertain significance for Inborn genetic diseases. Last evaluated: 2024-03-28. Review status: criteria provided, single submitter. Criteria: Ambry Variant Classification Scheme 2023. Collection method: clinical testing. Allele origin: germline.

GeneDx
Classification: Uncertain significance. Last evaluated: 2020-04-10. Review status: criteria provided, single submitter. Criteria: GeneDx Variant Classification Process June 2021. Collection method: clinical testing. Allele origin: germline. Affected: yes.
Comment: Not observed in large population cohorts (Lek et al., 2016); In silico analysis supports that this missense variant does not alter protein structure/function; Has not been previously published as pathogenic or benign to our knowledge